The following is an entry in ClinVar:

NM_000497.4(CYP11B1):c.1121G>A (p.Arg374Gln)

Genes: CYP11B1 (cytochrome P450 family 11 subfamily B member 1; minus strand), LOC106799833 (CYP11B1 recombination region; plus strand). Cytogenetic location: 8q24.3.
Variant type: single nucleotide variant.
Coding change: c.1121G>A on transcript NM_000497.4 (MANE Select); coding-DNA position 1121, G replaced by A.
Protein change: p.Arg374Gln; replaces arginine 374 with glutamine.
Molecular consequence: missense variant.
Genome position (GRCh38, 1-based): chr8:142,875,712, C>T on the plus strand (G>A on the coding strand, the complement: CYP11B1 is on the minus strand). VCF-style: chr8-142875712-C-T. GRCh37 (hg19) VCF-style: chr8-143957128-C-T.
Other names: c.1121G>A, p.Arg374Gln (NM_001026213.1); c.1121G>A (NM_000497.3); short protein forms R374Q.
Identifiers: ClinVar variation 1174 (VCV000001174.10), dbSNP rs104894062, ClinGen allele CA339877.

ClinVar aggregate classification (germline): Likely pathogenic. Review status: criteria provided, multiple submitters, no conflicts (2 of 4 stars). 5 submissions from 5 submitters: Likely pathogenic (4). 1 of the submissions does not count toward it. Last evaluated 2025-07-25.

Conditions:
Deficiency of steroid 11-beta-monooxygenase (CYP11B1). Also called: ADRENAL HYPERPLASIA, CONGENITAL, DUE TO STEROID 11-BETA-HYDROXYLASE DEFICIENCY; P450C11B1 DEFICIENCY; STEROID 11-BETA-HYDROXYLASE DEFICIENCY; 11-BETA-HYDROXYLASE DEFICIENCY; Congenital adrenal hyperplasia due to 11-beta-hydroxylase deficiency; ADRENAL HYPERPLASIA IV. Identifiers: Orphanet 90795, MedGen C0268292, MONDO:0008729, OMIM 202010. Disease mechanism: loss of function.
Congenital adrenal hyperplasia. Identifiers: Orphanet 418, MedGen C0001627, MONDO:0018479, HP:0008258.

Submissions (5):

Women's Health and Genetics/Laboratory Corporation of America, LabCorp
Classification: Likely pathogenic for Congenital adrenal hyperplasia. Last evaluated: 2025-07-25. Review status: criteria provided, single submitter. Criteria: LabCorp Variant Classification Summary - May 2015. Collection method: clinical testing. Allele origin: germline.
Comment: Variant summary: CYP11B1 c.1121G>A (p.Arg374Gln) results in a conservative amino acid change in the encoded protein sequence. Algorithms developed to predict the effect of missense changes on protein structure and function are either unavailable or do not agree on the potential impact of this missense change. Several computational tools predict a significant impact on normal splicing: Two predict the variant abolishes a 5' splicing donor site. Two predict the variant weakens a 5' donor site. However, these predictions have yet to be confirmed by functional studies. The variant was absent in 248684 control chromosomes. c.1121G>A has been observed in homozygous or compound heterozygous state in two individuals affected with Congenital Adrenal Hyperplasia (Curnow_1993, Khattab_2017). These data indicate that the variant may be associated with disease. At least one publication reports experimental evidence evaluating an impact on protein function (Curnow_1993). The most pronounced variant effect results in <10% of normal activity. The following publications have been ascertained in the context of this evaluation (PMID: 8506298, 28228528). ClinVar contains an entry for this variant (Variation ID: 1174). Based on the evidence outlined above, the variant was classified as likely pathogenic.

Clinical Biochemistry Laboratory, Health Services Laboratory
Classification: Likely pathogenic for Deficiency of steroid 11-beta-monooxygenase. Last evaluated: 2023-11-20. Review status: criteria provided, single submitter. Criteria: ACMG Guidelines, 2015. Collection method: clinical testing. Allele origin: germline. Affected: yes.
Comment: ACMG:PS1 PM1 PM2 PP3 PP5

Baylor Genetics
Classification: Likely pathogenic for Deficiency of steroid 11-beta-monooxygenase. Last evaluated: 2023-10-31. Review status: criteria provided, single submitter. Criteria: ACMG Guidelines, 2015. Collection method: clinical testing. Allele origin: unknown.

Labcorp Genetics (formerly Invitae), Labcorp
Classification: Likely pathogenic. Last evaluated: 2022-10-08. Review status: criteria provided, single submitter. Criteria: Invitae Variant Classification Sherloc (09022015). Collection method: clinical testing. Allele origin: germline.
Comment: This variant is not present in population databases (gnomAD no frequency). This sequence change replaces arginine, which is basic and polar, with glutamine, which is neutral and polar, at codon 374 of the CYP11B1 protein (p.Arg374Gln). This variant also falls at the last nucleotide of exon 6, which is part of the consensus splice site for this exon. This missense change has been observed in individuals with congenital adrenal hyperplasia due to 11-beta-hydroxylase deficiency (PMID: 8506298, 28228528). ClinVar contains an entry for this variant (Variation ID: 1174). Experimental studies have shown that this missense change affects CYP11B1 function (PMID: 8506298). Variants that disrupt the consensus splice site are a relatively common cause of aberrant splicing (PMID: 17576681, 9536098). Algorithms developed to predict the effect of sequence changes on RNA splicing suggest that this variant may disrupt the consensus splice site. In summary, the currently available evidence indicates that the variant is pathogenic, but additional data are needed to prove that conclusively. Therefore, this variant has been classified as Likely Pathogenic. Algorithms developed to predict the effect of missense changes on protein structure and function (SIFT, PolyPhen-2, Align-GVGD) all suggest that this variant is likely to be disruptive.

OMIM
Classification: Pathogenic for ADRENAL HYPERPLASIA, CONGENITAL, DUE TO STEROID 11-BETA-HYDROXYLASE DEFICIENCY. Last evaluated: 2009-07-01. Review status: no assertion criteria provided. Collection method: literature only. Allele origin: germline. Not counted in ClinVar's aggregate classification.

Literature cited by the submitters: PubMed 15255373 (cited by Women's Health and Genetics/Laboratory Corporation of America, LabCorp); PubMed 10720040 (cited by Women's Health and Genetics/Laboratory Corporation of America, LabCorp); PubMed 12452430 (cited by Women's Health and Genetics/Laboratory Corporation of America, LabCorp); PubMed 11154148 (cited by Women's Health and Genetics/Laboratory Corporation of America, LabCorp); PubMed 8506298 (cited by Women's Health and Genetics/Laboratory Corporation of America, LabCorp and Labcorp Genetics (formerly Invitae), Labcorp); PubMed 8768848 (cited by Women's Health and Genetics/Laboratory Corporation of America, LabCorp); PubMed 9435454 (cited by Women's Health and Genetics/Laboratory Corporation of America, LabCorp); PubMed 7889175 (cited by Women's Health and Genetics/Laboratory Corporation of America, LabCorp); PubMed 12428205 (cited by Women's Health and Genetics/Laboratory Corporation of America, LabCorp); PubMed 10559665 (cited by Women's Health and Genetics/Laboratory Corporation of America, LabCorp); PubMed 8964882 (cited by Women's Health and Genetics/Laboratory Corporation of America, LabCorp); PubMed 8952579 (cited by Women's Health and Genetics/Laboratory Corporation of America, LabCorp); PubMed 11344939 (cited by Women's Health and Genetics/Laboratory Corporation of America, LabCorp); PubMed 7988480 (cited by Women's Health and Genetics/Laboratory Corporation of America, LabCorp); PubMed 7488170 (cited by Women's Health and Genetics/Laboratory Corporation of America, LabCorp); PubMed 15026188 (cited by Women's Health and Genetics/Laboratory Corporation of America, LabCorp); PubMed 17172090 (cited by Women's Health and Genetics/Laboratory Corporation of America, LabCorp); PubMed 28228528 (cited by Women's Health and Genetics/Laboratory Corporation of America, LabCorp and Labcorp Genetics (formerly Invitae), Labcorp); PubMed 17576681 (cited by Labcorp Genetics (formerly Invitae), Labcorp); PubMed 9536098 (cited by Labcorp Genetics (formerly Invitae), Labcorp); Pascoe, L., Curnow, K. M., White, P. C. Mutations in the CYP11B1 (11-beta-hydroxylase) and CYP11B2 (aldosterone synthase) genes causing CMOII deficiency, 11-hydroxylase deficiency and glucocorticoid suppressible hyperaldosteronism. (Abstract) Am. J. Hum. Genet. 51 (suppl.): A28, 1992. (cited by OMIM).